The following is an entry in ClinVar:

NM_006891.4(CRYGD):c.402C>A (p.Tyr134Ter)

Genes: CRYGD (crystallin gamma D; minus strand), LOC100507443 (uncharacterized LOC100507443; plus strand). Cytogenetic location: 2q33.3.
Variant type: single nucleotide variant.
Coding change: c.402C>A on transcript NM_006891.4 (MANE Select); coding-DNA position 402, C replaced by A.
Protein change: p.Tyr134Ter; replaces tyrosine 134 with a stop codon.
Molecular consequence: nonsense.
Genome position (GRCh38, 1-based): chr2:208,121,796, G>T on the plus strand (C>A on the coding strand, the complement: CRYGD is on the minus strand). VCF-style: chr2-208121796-G-T. GRCh37 (hg19) VCF-style: chr2-208986520-G-T.
Other names: short protein forms Y134*.
Identifiers: ClinVar variation 68462 (VCV000068462.4), dbSNP rs398122948, ClinGen allele CA215000.
Genomic context (GRCh38, chr2:208,121,796, plus strand): 5'-GTAGCGCCTATAGTCCCCTGGCATCAGCAGGTACTGCCGTCCTCGGTAGTTGGACAGCTC[G>T]TAGAGGACCCAGGAGCCCTCCAGCACGTTGAGGGAGTGGATTTCATTGAAGCGGAAGCGG-3'

ClinVar aggregate classification (germline): Likely pathogenic. Review status: criteria provided, single submitter (1 of 4 stars). 2 submissions from 2 submitters: Likely pathogenic (1). 1 of the submissions does not count toward it. Last evaluated 2024-02-26.

Conditions:
Aculeiform cataract (CTRCT4). Also called: Fasciculiform cataract; Frosted cataract; Needle-shaped cataract. Identifiers: MedGen C1861832, HP:0010926.
Cataract 4 multiple types. Also called: CATARACT 4 WITH MICROCORNEA; CATARACT 4, PUNCTATE; CATARACT 4, CRYSTALLINE; CATARACT 4, CENTRAL NUCLEAR; CATARACT 4, NONNUCLEAR POLYMORPHIC CONGENITAL; CATARACT 4, ACULEIFORM. Identifiers: Orphanet 1377, MedGen C3540850, MONDO:0007281, OMIM 115700.

Submissions (2):

Labcorp Genetics (formerly Invitae), Labcorp
Classification: Likely pathogenic for Aculeiform cataract. Last evaluated: 2024-02-26. Review status: criteria provided, single submitter. Criteria: Invitae Variant Classification Sherloc (09022015). Collection method: clinical testing. Allele origin: germline.
Comment: This sequence change creates a premature translational stop signal (p.Tyr134*) in the CRYGD gene. While this is not anticipated to result in nonsense mediated decay, it is expected to disrupt the last 41 amino acid(s) of the CRYGD protein. This variant is not present in population databases (gnomAD no frequency). This premature translational stop signal has been observed in individuals with congenital cataracts (PMID: 17724170; Invitae). It has also been observed to segregate with disease in related individuals. This variant is also known as c.418C>A. ClinVar contains an entry for this variant (Variation ID: 68462). Experimental studies and prediction algorithms are not available or were not evaluated, and the functional significance of this variant is currently unknown. In summary, the currently available evidence indicates that the variant is pathogenic, but additional data are needed to prove that conclusively. Therefore, this variant has been classified as Likely Pathogenic.

OMIM
Classification: Pathogenic for CATARACT 4 WITH MICROCORNEA. Last evaluated: 2007-09-01. Review status: no assertion criteria provided. Collection method: literature only. Allele origin: germline. Not counted in ClinVar's aggregate classification.

Literature cited by the submitters: PubMed 17724170 (cited by Labcorp Genetics (formerly Invitae), Labcorp and OMIM).